The following is an entry in ClinVar:

NM_000093.5(COL5A1):c.6C>G (p.Asp2Glu)

Gene: COL5A1 (collagen type V alpha 1 chain; plus strand). Cytogenetic location: 9q34.3.
Variant type: single nucleotide variant.
Coding change: c.6C>G on transcript NM_000093.5 (MANE Select); coding-DNA position 6, C replaced by G.
Protein change: p.Asp2Glu; replaces aspartic acid 2 with glutamic acid.
Molecular consequence: missense variant.
Genome position (GRCh38, 1-based): chr9:134,642,193, C>G. VCF-style: chr9-134642193-C-G. GRCh37 (hg19) VCF-style: chr9-137534039-C-G.
Other names: c.6C>G, p.Asp2Glu (NM_001278074.1); short protein forms D2E.
Identifiers: ClinVar variation 423543 (VCV000423543.2), dbSNP rs1064796482, ClinGen allele CA16618784.

ClinVar aggregate classification (germline): Uncertain significance (1 of 4 stars; one submission).

Allele frequency attached by ClinVar (database versions not stated): gnomAD exomes below 0.00001.
gnomAD v4.1: 2 of 1,285,922 alleles (0.00016%); highest among the groups gnomAD compares: Non-Finnish European, 0.0002%; no homozygotes.

Submission:

GeneDx
Classification: Uncertain significance. Last evaluated: 2017-10-04. Review status: criteria provided, single submitter. Criteria: GeneDx Variant Classification (06012015). Collection method: clinical testing. Allele origin: germline. Affected: yes.
Comment: A variant of uncertain significance has been identified in the COL5A1 gene. The D2E variant has not been published as pathogenic or been reported as benign to our knowledge. No data are available from control populations to assess the frequency of this variant. However, the D2E variant is a conservative amino acid substitution, which is not likely to impact secondary protein structure as these residues share similar properties. This substitution occurs at a position that is only conserved in mammals and in silico analysis is inconsistent in its predictions as to whether or not the variant is damaging to the protein structure/function. Finally, the D2E variant does not affect a Glycine residue in a Gly-X-Y motif in the triple helical region of the COL5A1 gene, where the majority of pathogenic missense variants occur (Stenson et al., 2014; Symoens et al., 2012).